The following is an entry in ClinVar:

NM_017514.5(PLXNA3):c.4799G>A (p.Ser1600Asn)

Gene: PLXNA3 (plexin A3; plus strand). Cytogenetic location: Xq28.
Variant type: single nucleotide variant.
Coding change: c.4799G>A on transcript NM_017514.5 (MANE Select); coding-DNA position 4799, G replaced by A.
Protein change: p.Ser1600Asn; replaces serine 1600 with asparagine.
Molecular consequence: missense variant.
Genome position (GRCh38, 1-based): chrX:154,469,980, G>A. VCF-style: chrX-154469980-G-A. GRCh37 (hg19) VCF-style: chrX-153698323-G-A.
Other names: short protein forms S1600N.
Identifiers: ClinVar variation 3215567 (VCV003215567.2), dbSNP rs2069158301, ClinGen allele CA415252561.

ClinVar aggregate classification (germline): Uncertain significance. Review status: criteria provided, single submitter (1 of 4 stars). 2 submissions from 2 submitters: Uncertain significance (1). 1 of the submissions does not count toward it. Last evaluated 2024-02-06.

Conditions:
PLXNA3-related disorder. Also called: PLXNA3-related condition.

Submissions (2):

Ambry Genetics
Classification: Uncertain significance. Last evaluated: 2024-02-06. Review status: criteria provided, single submitter. Criteria: Ambry Variant Classification Scheme 2023. Collection method: clinical testing. Allele origin: germline.

PreventionGenetics, part of Exact Sciences
Classification: Uncertain significance for PLXNA3-related condition. Last evaluated: 2024-09-13. Review status: no assertion criteria provided. Collection method: clinical testing. Allele origin: germline. Not counted in ClinVar's aggregate classification.
Comment: The PLXNA3 c.4799G>A variant is predicted to result in the amino acid substitution p.Ser1600Asn. To our knowledge, this variant has not been reported in the literature or in a large population database, indicating this variant is rare. At this time, the clinical significance of this variant is uncertain due to the absence of conclusive functional and genetic evidence.